The following is an entry in ClinVar:

NM_004973.4(JARID2):c.1723G>A (p.Glu575Lys)

Gene: JARID2 (jumonji and AT-rich interaction domain containing 2; plus strand). Cytogenetic location: 6p22.3.
Variant type: single nucleotide variant.
Coding change: c.1723G>A on transcript NM_004973.4 (MANE Select); coding-DNA position 1723, G replaced by A.
Protein change: p.Glu575Lys; replaces glutamic acid 575 with lysine.
Molecular consequence: missense variant.
Genome position (GRCh38, 1-based): chr6:15,496,948, G>A. VCF-style: chr6-15496948-G-A. GRCh37 (hg19) VCF-style: chr6-15497179-G-A.
Other names: c.1207G>A, p.Glu403Lys (NM_001267040.1); short protein forms E403K, E575K.
Identifiers: ClinVar variation 5017666 (VCV005017666.1).

ClinVar aggregate classification (germline): Uncertain significance (1 of 4 stars; one submission).

Submission:

GeneDx
Classification: Uncertain significance. Last evaluated: 2026-03-26. Review status: criteria provided, single submitter. Criteria: GeneDx Variant Classification Process June 2021. Collection method: clinical testing. Allele origin: germline.
Comment: Not observed at significant frequency in large population cohorts (gnomAD); In silico analysis supports that this missense variant has a deleterious effect on protein structure/function; Has not been previously published as pathogenic or benign to our knowledge